The following is an entry in ClinVar:

NM_000168.6(GLI3):c.3832G>A (p.Ala1278Thr)

Gene: GLI3 (GLI family zinc finger 3; minus strand). Cytogenetic location: 7p14.1.
Variant type: single nucleotide variant.
Coding change: c.3832G>A on transcript NM_000168.6 (MANE Select); coding-DNA position 3832, G replaced by A.
Protein change: p.Ala1278Thr; replaces alanine 1278 with threonine.
Molecular consequence: missense variant.
Genome position (GRCh38, 1-based): chr7:41,965,241, C>T on the plus strand (G>A on the coding strand, the complement: GLI3 is on the minus strand). VCF-style: chr7-41965241-C-T. GRCh37 (hg19) VCF-style: chr7-42004839-C-T.
Other names: short protein forms A1278T.
Identifiers: ClinVar variation 4783592 (VCV004783592.1).
Genomic context (GRCh38, chr7:41,965,241, plus strand): 5'-GCAGGCCGAAATTCAGCTGGCCCCCGCTCCCTTGCATGGGGGTGCTCTTCAGCTTTGAGG[C>T]TTGAATCCCGGCACCACAGGCACCGTCGAGTGCACCAGGGGCCACTGGCTGCCTGTTGAG-3'
Protein context (NP_000159.3, residues 1268-1288): LDGACGAGIQ[Ala1278Thr]SKLKSTPMQG

ClinVar aggregate classification (germline): Uncertain significance (1 of 4 stars; one submission).

Conditions:
Pallister-Hall syndrome (PHS). Also called: GLI3-Related Pallister-Hall Syndrome; HYPOTHALAMIC HAMARTOBLASTOMA, HYPOPITUITARISM, IMPERFORATE ANUS, AND POSTAXIAL POLYDACTYLY. Identifiers: Orphanet 672, MedGen C0265220, MONDO:0007804, OMIM 146510.
Greig cephalopolysyndactyly syndrome (GCPS). Also called: POLYSYNDACTYLY WITH PECULIAR SKULL SHAPE; Greig syndrome; GLI3-Related Greig Cephalopolysyndactyly Syndrome. Identifiers: Orphanet 380, MedGen C0265306, MONDO:0008287, OMIM 175700.

Submission:

Labcorp Genetics (formerly Invitae), Labcorp
Classification: Uncertain significance for Pallister-Hall syndrome; Greig cephalopolysyndactyly syndrome. Last evaluated: 2025-04-14. Review status: criteria provided, single submitter. Criteria: Invitae Variant Classification Sherloc (09022015). Collection method: clinical testing. Allele origin: germline.
Comment: This sequence change replaces alanine, which is neutral and non-polar, with threonine, which is neutral and polar, at codon 1278 of the GLI3 protein (p.Ala1278Thr). This variant is not present in population databases (gnomAD no frequency). This variant has not been reported in the literature in individuals affected with GLI3-related conditions. Invitae Evidence Modeling of protein sequence and biophysical properties (such as structural, functional, and spatial information, amino acid conservation, physicochemical variation, residue mobility, and thermodynamic stability) indicates that this missense variant is not expected to disrupt GLI3 protein function with a negative predictive value of 95%. In summary, the available evidence is currently insufficient to determine the role of this variant in disease. Therefore, it has been classified as a Variant of Uncertain Significance.